The following is an entry in ClinVar:

NM_012330.4(KAT6B):c.6014G>A (p.Gly2005Asp)

Gene: KAT6B (lysine acetyltransferase 6B; plus strand). Cytogenetic location: 10q22.2.
Variant type: single nucleotide variant.
Coding change: c.6014G>A on transcript NM_012330.4 (MANE Select); coding-DNA position 6014, G replaced by A.
Protein change: p.Gly2005Asp; replaces glycine 2005 with aspartic acid.
Molecular consequence: missense variant.
Genome position (GRCh38, 1-based): chr10:75,030,838, G>A. VCF-style: chr10-75030838-G-A. GRCh37 (hg19) VCF-style: chr10-76790596-G-A.
Other names: c.5465G>A, p.Gly1822Asp (NM_001256468.2, NM_001370138.1); c.5138G>A, p.Gly1713Asp (NM_001256469.2, NM_001370139.1, NM_001370140.1 and 2 more transcripts); c.4976G>A, p.Gly1659Asp (NM_001370132.1); c.4325G>A, p.Gly1442Asp (NM_001370133.1); c.3929G>A, p.Gly1310Asp (NM_001370134.1); c.3671G>A, p.Gly1224Asp (NM_001370135.1); c.6014G>A, p.Gly2005Asp (NM_001370136.1, NM_001370137.1); c.4949G>A, p.Gly1650Asp (NM_001370143.1, NM_001370144.1); short protein forms G2005D, G1659D, G1224D, G1310D, G1650D, G1442D, G1713D, G1822D.
Identifiers: ClinVar variation 432532 (VCV000432532.12), dbSNP rs141200092, ClinGen allele CA5565295.

ClinVar aggregate classification (germline): Conflicting classifications of pathogenicity. Review status: criteria provided, conflicting classifications (1 of 4 stars). 3 submissions from 3 submitters: Uncertain significance (2); Likely benign (1). Last evaluated 2024-06-04.

Conditions:
Genitopatellar syndrome (GTPTS). Also called: Genitopatellar syndrome (GPS); ABSENT PATELLAE, SCROTAL HYPOPLASIA, RENAL ANOMALIES, FACIAL DYSMORPHISM, AND MENTAL RETARDATION. Identifiers: Orphanet 85201, MedGen C1853566, MONDO:0011640, OMIM 606170.
Blepharophimosis - intellectual disability syndrome, SBBYS type (SBBYSS). Also called: Say-Barber-Biesecker-Young-Simpson variant of Ohdo Syndrome; Say-Barber-Biesecker Variant of Ohdo Syndrome; SBBYSS syndrome; Ohdo syndrome, SBBYS variant; Young Simpson syndrome; Mental retardation unusual facies hypothyroidism. Identifiers: Orphanet 3047, MedGen C1863557, MONDO:0011365, OMIM 603736.

Allele frequency attached by ClinVar (database versions not stated): gnomAD 0.00001; ExAC 0.00002; gnomAD exomes 0.00002 and 0.00007; TOPMed 0.00002; ESP Exome Variant Server 0.00015.
gnomAD v4.1: 102 of 1,614,060 alleles (0.0063%); highest among the groups gnomAD compares: Non-Finnish European, 0.0086%; no homozygotes.

Submissions (3):

Fulgent Genetics
Classification: Uncertain significance for Blepharophimosis - intellectual disability syndrome, SBBYS type; Genitopatellar syndrome. Last evaluated: 2024-06-04. Review status: criteria provided, single submitter. Criteria: ACMG Guidelines, 2015. Collection method: clinical testing. Allele origin: germline.

Labcorp Genetics (formerly Invitae), Labcorp
Classification: Likely benign for Genitopatellar syndrome. Last evaluated: 2024-01-27. Review status: criteria provided, single submitter. Criteria: Invitae Variant Classification Sherloc (09022015). Collection method: clinical testing. Allele origin: germline.

GeneDx
Classification: Uncertain significance. Last evaluated: 2017-06-05. Review status: criteria provided, single submitter. Criteria: GeneDx Variant Classification (06012015). Collection method: clinical testing. Allele origin: germline. Affected: yes.
Comment: The G2005D variant has not been published as a pathogenic variant, nor has it been reported as a benign variant to our knowledge. The variant is observed in 3/66642 (0.0045%) alleles from individuals of European background in the ExAC dataset (Lek et al., 2016). G2005D is a non-conservative amino acid substitution, which is likely to impact secondary protein structure as these residues differ in polarity, charge, size and/or other properties. This substitution occurs at a position that is conserved across species, and in silico analysis predicts this variant is probably damaging to the protein structure/function. In summary, based on the currently available information, it is unclear whether this variant is a pathogenic variant or a rare benign variant.